The following is an entry in ClinVar:

ClinVar aggregate classification (germline): Uncertain significance (1 of 4 stars; one submission).

Allele frequency attached by ClinVar (database versions not stated): gnomAD exomes below 0.00001.
gnomAD v4.1: 2 of 1,613,630 alleles (0.00012%); highest among the groups gnomAD compares: Non-Finnish European, 0.00017%; no homozygotes.

Submission:

Labcorp Genetics (formerly Invitae), Labcorp
Classification: Uncertain significance. Last evaluated: 2024-12-16. Review status: criteria provided, single submitter. Criteria: Invitae Variant Classification Sherloc (09022015). Collection method: clinical testing. Allele origin: germline.
Comment: This sequence change replaces asparagine, which is neutral and polar, with serine, which is neutral and polar, at codon 1076 of the CCDC88A protein (p.Asn1076Ser). This variant is not present in population databases (gnomAD no frequency). This variant has not been reported in the literature in individuals affected with CCDC88A-related conditions. ClinVar contains an entry for this variant (Variation ID: 1714686). An algorithm developed to predict the effect of missense changes on protein structure and function outputs the following: PolyPhen-2: "Benign". The serine amino acid residue is found in multiple mammalian species, which suggests that this missense change does not adversely affect protein function. In summary, the available evidence is currently insufficient to determine the role of this variant in disease. Therefore, it has been classified as a Variant of Uncertain Significance.

NM_001365480.1(CCDC88A):c.3230A>G (p.Asn1077Ser)

Gene: CCDC88A (coiled-coil and HOOK domain protein 88A; minus strand). Cytogenetic location: 2p16.1.
Variant type: single nucleotide variant.
Coding change: c.3230A>G on transcript NM_001365480.1 (MANE Select); coding-DNA position 3230, A replaced by G.
Protein change: p.Asn1077Ser; replaces asparagine 1077 with serine.
Molecular consequence: missense variant.
Genome position (GRCh38, 1-based): chr2:55,318,937, T>C on the plus strand (A>G on the coding strand, the complement: CCDC88A is on the minus strand). VCF-style: chr2-55318937-T-C. GRCh37 (hg19) VCF-style: chr2-55546073-T-C.
Other names: c.3227A>G, p.Asn1076Ser (NM_001135597.2, NM_001254943.2); c.3230A>G, p.Asn1077Ser (NM_018084.5); short protein forms N1076S, N1077S.
Identifiers: ClinVar variation 1714686 (VCV001714686.5), dbSNP rs2544784400, ClinGen allele CA346894008.
Genomic context (GRCh38, chr2:55,318,937, plus strand): 5'-TTCTGTTCTTGTAATGACACTGTCTGCCTCTGAAGTGCAAGAATCTGAGCCTGCAAATTA[T>C]TGTTCTGTGTCTCAAGTTGCTTCAGTTGAGTTTTCAACGCTTGCTTCTCTGCTTGCAGTG-3'
Protein context (NP_001352409.1, residues 1067-1087): TQLKQLETQN[Asn1077Ser]NLQAQILALQ